The following is an entry in ClinVar:

ClinVar aggregate classification (germline): Conflicting classifications of pathogenicity. Review status: criteria provided, conflicting classifications (1 of 4 stars). 6 submissions from 6 submitters: Uncertain significance (3); Likely benign (2). 1 of the submissions does not count toward it. Last evaluated 2025-11-17.

Conditions:
CBL-related disorder. Also called: CBL MUTATION-ASSOCIATED SYNDROME; CBL SYNDROME; NOONAN SYNDROME-LIKE DISORDER WITHOUT JUVENILE MYELOMONOCYTIC LEUKEMIA. Identifiers: Orphanet 363972, MedGen C3150803, MONDO:0013308, OMIM 613563.
Cardiovascular phenotype. Identifiers: MedGen CN230736.
RASopathy. Also called: rasopathies; Noonan spectrum disorder. Identifiers: Orphanet 536391, MedGen C5555857, MONDO:0021060.

Submissions (6):

Labcorp Genetics (formerly Invitae), Labcorp
Classification: Uncertain significance for RASopathy. Last evaluated: 2025-11-17. Review status: criteria provided, single submitter. Criteria: Invitae Variant Classification Sherloc (09022015). Collection method: clinical testing. Allele origin: germline.
Comment: This sequence change replaces arginine, which is basic and polar, with histidine, which is basic and polar, at codon 585 of the CBL protein (p.Arg585His). This variant is present in population databases (rs727504640, gnomAD 0.003%). This variant has not been reported in the literature in individuals affected with CBL-related conditions. ClinVar contains an entry for this variant (Variation ID: 180820). Invitae Evidence Modeling of protein sequence and biophysical properties (such as structural, functional, and spatial information, amino acid conservation, physicochemical variation, residue mobility, and thermodynamic stability) indicates that this missense variant is not expected to disrupt CBL protein function with a negative predictive value of 95%. In summary, the available evidence is currently insufficient to determine the role of this variant in disease. Therefore, it has been classified as a Variant of Uncertain Significance.

CeGaT Center for Human Genetics Tuebingen
Classification: Likely benign. Last evaluated: 2025-11-01. Review status: criteria provided, single submitter. Criteria: CeGaT Center For Human Genetics Tuebingen Variant Classification Criteria Version 2. Collection method: clinical testing. Allele origin: germline. Affected: yes. Observed: 1 variant allele.
Comment: CBL: BP4

Ambry Genetics
Classification: Uncertain significance for Cardiovascular phenotype. Last evaluated: 2025-06-05. Review status: criteria provided, single submitter. Criteria: Ambry Variant Classification Scheme 2023. Collection method: clinical testing. Allele origin: germline.
Comment: The p.R585H variant (also known as c.1754G>A), located in coding exon 11 of the CBL gene, results from a G to A substitution at nucleotide position 1754. The arginine at codon 585 is replaced by histidine, an amino acid with highly similar properties. This amino acid position is highly conserved in available vertebrate species. In addition, the in silico prediction for this alteration is inconclusive. Based on the available evidence, the clinical significance of this variant remains unclear.

Women's Health and Genetics/Laboratory Corporation of America, LabCorp
Classification: Uncertain significance. Last evaluated: 2024-11-15. Review status: criteria provided, single submitter. Criteria: LabCorp Variant Classification Summary - May 2015. Collection method: clinical testing. Allele origin: germline.
Comment: Variant summary: CBL c.1754G>A (p.Arg585His) results in a non-conservative amino acid change in the encoded protein sequence. Three of five in-silico tools predict a benign effect of the variant on protein function. The variant allele was found at a frequency of 1.2e-05 in 251406 control chromosomes. The available data on variant occurrences in the general population are insufficient to allow any conclusion about variant significance. To our knowledge, no occurrence of c.1754G>A in individuals affected with Noonan Syndrome-Like Disorder and no experimental evidence demonstrating its impact on protein function have been reported. ClinVar contains an entry for this variant (Variation ID: 180820). Based on the evidence outlined above, the variant was classified as uncertain significance.

GeneDx
Classification: Likely benign. Last evaluated: 2019-09-30. Review status: criteria provided, single submitter. Criteria: GeneDx Variant Classification Process June 2021. Collection method: clinical testing. Allele origin: germline. Affected: yes.
Comment: In silico analysis, which includes protein predictors and evolutionary conservation, supports that this variant does not alter protein structure/function; Has not been previously published as pathogenic or benign to our knowledge

PreventionGenetics, part of Exact Sciences
Classification: Uncertain significance for CBL-related condition. Last evaluated: 2024-07-08. Review status: no assertion criteria provided. Collection method: clinical testing. Allele origin: germline. Not counted in ClinVar's aggregate classification.
Comment: The CBL c.1754G>A variant is predicted to result in the amino acid substitution p.Arg585His. To our knowledge, this variant has not been reported in the literature. This variant is reported in 0.0018% of alleles in individuals of European (Non-Finnish) descent in gnomAD. At this time, the clinical significance of this variant is uncertain due to the absence of conclusive functional and genetic evidence.

NM_005188.4(CBL):c.1754G>A (p.Arg585His)

Gene: CBL (Cbl proto-oncogene; plus strand). Cytogenetic location: 11q23.3.
Variant type: single nucleotide variant.
Coding change: c.1754G>A on transcript NM_005188.4 (MANE Select); coding-DNA position 1754, G replaced by A.
Protein change: p.Arg585His; replaces arginine 585 with histidine.
Molecular consequence: missense variant.
Genome position (GRCh38, 1-based): chr11:119,285,379, G>A. VCF-style: chr11-119285379-G-A. GRCh37 (hg19) VCF-style: chr11-119156089-G-A.
Other names: p.R585H:CGC>CAC; short protein forms R585H.
Identifiers: ClinVar variation 180820 (VCV000180820.18), dbSNP rs727504640, ClinGen allele CA295999.